The following is an entry in ClinVar:

NM_145868.2(ANXA11):c.974C>G (p.Ala325Gly)

Gene: ANXA11 (annexin A11; minus strand). Cytogenetic location: 10q22.3.
Variant type: single nucleotide variant.
Coding change: c.974C>G on transcript NM_145868.2 (MANE Select); coding-DNA position 974, C replaced by G.
Protein change: p.Ala325Gly; replaces alanine 325 with glycine.
Molecular consequence: missense variant.
Genome position (GRCh38, 1-based): chr10:80,163,589, G>C on the plus strand (C>G on the coding strand, the complement: ANXA11 is on the minus strand). VCF-style: chr10-80163589-G-C. GRCh37 (hg19) VCF-style: chr10-81923345-G-C.
Other names: c.974C>G, p.Ala325Gly (NM_001157.3, NM_001278407.2, NM_001278408.2 and 1 more transcripts); c.875C>G, p.Ala292Gly (NM_001278409.2); short protein forms A325G, A292G.
Identifiers: ClinVar variation 3687037 (VCV003687037.2).

ClinVar aggregate classification (germline): Uncertain significance (1 of 4 stars; one submission).

gnomAD v4.1: 7 of 1,559,810 alleles (0.00045%); highest among the groups gnomAD compares: Non-Finnish European, 0.00061%; no homozygotes.

Submission:

Labcorp Genetics (formerly Invitae), Labcorp
Classification: Uncertain significance. Last evaluated: 2024-12-08. Review status: criteria provided, single submitter. Criteria: Invitae Variant Classification Sherloc (09022015). Collection method: clinical testing. Allele origin: germline.
Comment: This sequence change replaces alanine, which is neutral and non-polar, with glycine, which is neutral and non-polar, at codon 325 of the ANXA11 protein (p.Ala325Gly). This variant is not present in population databases (gnomAD no frequency). This variant has not been reported in the literature in individuals affected with ANXA11-related conditions. An algorithm developed to predict the effect of missense changes on protein structure and function (PolyPhen-2) suggests that this variant is likely to be disruptive. In summary, the available evidence is currently insufficient to determine the role of this variant in disease. Therefore, it has been classified as a Variant of Uncertain Significance.